The following is an entry in ClinVar:

ClinVar aggregate classification (germline): Conflicting classifications of pathogenicity. Review status: criteria provided, conflicting classifications (1 of 4 stars). 3 submissions from 3 submitters: Uncertain significance (2); Likely benign (1). Last evaluated 2026-06-09.

Conditions:
TTN-related disorder. Also called: TTN-related disorders; TTN-related condition; TTN-related disease.

Allele frequency attached by ClinVar (database versions not stated): gnomAD 0.00005; TOPMed 0.00006; ExAC 0.00007; gnomAD exomes 0.00007; ESP Exome Variant Server 0.00008.
gnomAD v4.1: 104 of 1,613,706 alleles (0.0064%); highest among the groups gnomAD compares: African/African-American, 0.008%; no homozygotes.

Submissions (3):

PreventionGenetics, part of Exact Sciences
Classification: Uncertain significance for TTN-related condition. Last evaluated: 2026-06-09. Review status: criteria provided, single submitter. Criteria: ACMG Guidelines, 2015. Collection method: clinical testing. Allele origin: germline.
Comment: The TTN c.94303G>A variant is predicted to result in the amino acid substitution p.Asp31435Asn. To our knowledge, this variant has not been reported in the literature. This variant is reported in 0.012% of alleles in individuals of African descent in gnomAD. At this time, the clinical significance of this variant is uncertain due to the absence of conclusive functional and genetic evidence.

Women's Health and Genetics/Laboratory Corporation of America, LabCorp
Classification: Uncertain significance. Last evaluated: 2026-06-05. Review status: criteria provided, single submitter. Criteria: LabCorp Variant Classification Summary - May 2015. Collection method: clinical testing. Allele origin: germline.

GeneDx
Classification: Likely benign. Last evaluated: 2019-07-10. Review status: criteria provided, single submitter. Criteria: GeneDx Variant Classification Process June 2021. Collection method: clinical testing. Allele origin: germline. Affected: yes.

NM_001267550.2(TTN):c.94303G>A (p.Asp31435Asn)

Genes: TTN (titin; minus strand), TTN-AS1 (TTN antisense RNA 1; plus strand). Cytogenetic location: 2q31.2.
Variant type: single nucleotide variant.
Coding change: c.94303G>A on transcript NM_001267550.2 (MANE Select); coding-DNA position 94303, G replaced by A.
Protein change: p.Asp31435Asn; replaces aspartic acid 31435 with asparagine.
Molecular consequence: missense variant.
Genome position (GRCh38, 1-based): chr2:178,547,222, C>T on the plus strand (G>A on the coding strand, the complement: TTN is on the minus strand). VCF-style: chr2-178547222-C-T. GRCh37 (hg19) VCF-style: chr2-179411949-C-T.
Other names: c.89380G>A, p.Asp29794Asn (NM_001256850.1); c.67108G>A, p.Asp22370Asn (NM_003319.4); c.86599G>A, p.Asp28867Asn (NM_133378.4); c.67483G>A, p.Asp22495Asn (NM_133432.3); c.67684G>A, p.Asp22562Asn (NM_133437.4); short protein forms D22370N, D22495N, D22562N, D28867N, D29794N, D31435N.
Identifiers: ClinVar variation 1182245 (VCV001182245.4), dbSNP rs367771286, ClinGen allele CA1987150.